The following is an entry in ClinVar:

NM_019096.5(GTPBP2):c.1784A>C (p.Glu595Ala)

Gene: GTPBP2 (GTP binding protein 2; minus strand). Cytogenetic location: 6p21.1.
Variant type: single nucleotide variant.
Coding change: c.1784A>C on transcript NM_019096.5 (MANE Select); coding-DNA position 1784, A replaced by C.
Protein change: p.Glu595Ala; replaces glutamic acid 595 with alanine.
Molecular consequence: missense variant.
Genome position (GRCh38, 1-based): chr6:43,621,639, T>G on the plus strand (A>C on the coding strand, the complement: GTPBP2 is on the minus strand). VCF-style: chr6-43621639-T-G. GRCh37 (hg19) VCF-style: chr6-43589376-T-G.
Other names: c.1520A>C, p.Glu507Ala (NM_001286216.2); short protein forms E595A, E507A.
Identifiers: ClinVar variation 1427683 (VCV001427683.4), dbSNP rs2127832274, ClinGen allele CA364271350.
Genomic context (GRCh38, chr6:43,621,639, plus strand): 5'-AGGGACAGCAATAGAACTGTCCCTGCCTGAAGGGTTCAGAAGCCCATGTTGGCCTGGGCT[T>G]CTCCTGCTGTAATGGCTTGTACATCAGTGACATGGCCGATGCCCTTGGTGACACCCTCCC-3'
Protein context (NP_061969.3, residues 585-602): VTDVQAITAG[Glu595Ala]AQANMGF

ClinVar aggregate classification (germline): Uncertain significance (1 of 4 stars; one submission).

Allele frequency attached by ClinVar (database versions not stated): gnomAD exomes 0.00001.
gnomAD v4.1: 5 of 1,614,244 alleles (0.00031%); highest among the groups gnomAD compares: Admixed American, 0.0067%; no homozygotes.

Submission:

Labcorp Genetics (formerly Invitae), Labcorp
Classification: Uncertain significance. Last evaluated: 2022-08-20. Review status: criteria provided, single submitter. Criteria: Invitae Variant Classification Sherloc (09022015). Collection method: clinical testing. Allele origin: germline.
Comment: This sequence change replaces glutamic acid, which is acidic and polar, with alanine, which is neutral and non-polar, at codon 595 of the GTPBP2 protein (p.Glu595Ala). This variant is not present in population databases (gnomAD no frequency). This variant has not been reported in the literature in individuals affected with GTPBP2-related conditions. ClinVar contains an entry for this variant (Variation ID: 1427683). Algorithms developed to predict the effect of missense changes on protein structure and function (SIFT, PolyPhen-2, Align-GVGD) all suggest that this variant is likely to be tolerated. In summary, the available evidence is currently insufficient to determine the role of this variant in disease. Therefore, it has been classified as a Variant of Uncertain Significance.